The following is an entry in ClinVar:

NM_004370.6(COL12A1):c.2710+6T>C

Gene: COL12A1 (collagen type XII alpha 1 chain; minus strand). Cytogenetic location: 6q13.
Variant type: single nucleotide variant.
Coding change: c.2710+6T>C on transcript NM_004370.6 (MANE Select); 6 bases into the intron after coding-DNA position 2710, T replaced by C.
Molecular consequence: intron variant.
Genome position (GRCh38, 1-based): chr6:75,175,032, A>G on the plus strand (T>C on the coding strand, the complement: COL12A1 is on the minus strand). VCF-style: chr6-75175032-A-G. GRCh37 (hg19) VCF-style: chr6-75884748-A-G.
Other names: c.74-22550T>C (NM_001424116.1, NM_080645.3); c.2437+2631T>C (NM_001424115.1); c.2710+6T>C (NM_001424114.1, NM_001424113.1).
Identifiers: ClinVar variation 3754428 (VCV003754428.2).

ClinVar aggregate classification (germline): Uncertain significance (1 of 4 stars; one submission).

Conditions:
Ullrich congenital muscular dystrophy 2 (UCMD2). Identifiers: Orphanet 75840, MedGen C4225314, MONDO:0014654, OMIM 616470.
Bethlem myopathy 2 (BTHLM2). Identifiers: Orphanet 536516, Orphanet 610, MedGen C4225313, MONDO:0034022, OMIM 616471.

gnomAD v4.1: 4 of 1,613,292 alleles (0.00025%); highest among the groups gnomAD compares: Non-Finnish European, 0.00034%; no homozygotes.

Submission:

Labcorp Genetics (formerly Invitae), Labcorp
Classification: Uncertain significance for Bethlem myopathy 2; Ullrich congenital muscular dystrophy 2. Last evaluated: 2024-03-17. Review status: criteria provided, single submitter. Criteria: Invitae Variant Classification Sherloc (09022015). Collection method: clinical testing. Allele origin: germline.
Comment: This sequence change falls in intron 13 of the COL12A1 gene. It does not directly change the encoded amino acid sequence of the COL12A1 protein. It affects a nucleotide within the consensus splice site. This variant is present in population databases (no rsID available, gnomAD 0.0009%). This variant has not been reported in the literature in individuals affected with COL12A1-related conditions. Variants that disrupt the consensus splice site are a relatively common cause of aberrant splicing (PMID: 17576681, 9536098). Algorithms developed to predict the effect of sequence changes on RNA splicing suggest that this variant is not likely to affect RNA splicing. In summary, the available evidence is currently insufficient to determine the role of this variant in disease. Therefore, it has been classified as a Variant of Uncertain Significance.

Literature cited by the submitters: PubMed 17576681; PubMed 9536098.